The following is an entry in ClinVar:

NM_000048.4(ASL):c.749T>A (p.Met250Lys)

Gene: ASL (argininosuccinate lyase; plus strand). Cytogenetic location: 7q11.21.
Variant type: single nucleotide variant.
Coding change: c.749T>A on transcript NM_000048.4 (MANE Select); coding-DNA position 749, T replaced by A.
Protein change: p.Met250Lys; replaces methionine 250 with lysine.
Molecular consequence: missense variant.
Genome position (GRCh38, 1-based): chr7:66,088,837, T>A. VCF-style: chr7-66088837-T-A. GRCh37 (hg19) VCF-style: chr7-65553824-T-A.
Other names: c.749T>A, p.Met250Lys (NM_001024943.2, NM_001024944.2); c.671T>A, p.Met224Lys (NM_001024946.2); short protein forms M224K, M250K.
Identifiers: ClinVar variation 3594754 (VCV003594754.2).

ClinVar aggregate classification (germline): Conflicting classifications of pathogenicity. Review status: criteria provided, conflicting classifications (1 of 4 stars). 2 submissions from 2 submitters: Likely pathogenic (1); Uncertain significance (1). Last evaluated 2026-03-16.

Conditions:
Argininosuccinate lyase deficiency. Also called: Argininosuccinic aciduria; ARGININOSUCCINIC ACID LYASE DEFICIENCY; ASL DEFICIENCY. Identifiers: Orphanet 23, MedGen C0268547, MONDO:0008815, OMIM 207900, HP:0025630.

gnomAD v4.1: 3 of 1,614,044 alleles (0.00019%); highest among the groups gnomAD compares: South Asian, 0.0033%; no homozygotes.

Submissions (2):

Myriad Genetics, Inc.
Classification: Uncertain significance for Argininosuccinate lyase deficiency. Last evaluated: 2026-03-16. Review status: criteria provided, single submitter. Criteria: Myriad Autosomal Dominant, Autosomal Recessive and X-Linked Classification Criteria (2023). Collection method: clinical testing. Allele origin: unknown.
Comment: NM_001024943.1(ASL):c.749T>A(M250K) is a missense variant classified as a variant of uncertain significance in the context of argininosuccinic aciduria. M250K has been observed in cases with relevant disease (PMID: 28251416, 30285816). Relevant functional assessments of this variant are not available in the literature. M250K has been observed in referenced population frequency databases. In summary, there is insufficient evidence to classify NM_001024943.1(ASL):c.749T>A(M250K) as pathogenic or benign. Please note: this variant was assessed in the context of healthy population screening.

Fulgent Genetics
Classification: Likely pathogenic for Argininosuccinate lyase deficiency. Last evaluated: 2024-01-06. Review status: criteria provided, single submitter. Criteria: ACMG Guidelines, 2015. Collection method: clinical testing. Allele origin: germline.

Literature cited by the submitters: PubMed 28251416 (cited by Myriad Genetics, Inc.); PubMed 30285816 (cited by Myriad Genetics, Inc.).